The following is an entry in ClinVar:

NM_001367624.2(ZNF469):c.6587C>G (p.Pro2196Arg)

Gene: ZNF469 (zinc finger protein 469; plus strand). Cytogenetic location: 16q24.2.
Variant type: single nucleotide variant.
Coding change: c.6587C>G on transcript NM_001367624.2 (MANE Select); coding-DNA position 6587, C replaced by G.
Protein change: p.Pro2196Arg; replaces proline 2196 with arginine.
Molecular consequence: missense variant.
Genome position (GRCh38, 1-based): chr16:88,434,057, C>G. VCF-style: chr16-88434057-C-G. GRCh37 (hg19) VCF-style: chr16-88500465-C-G.
Other names: NM_001127464.1:c.6503C>G; short protein forms P2196R.
Identifiers: ClinVar variation 1753927 (VCV001753927.2), dbSNP rs1377516980, ClinGen allele CA397106248.

ClinVar aggregate classification (germline): Uncertain significance (1 of 4 stars; one submission).

Conditions:
Cardiovascular phenotype. Identifiers: MedGen CN230736.

gnomAD v4.1: 2 of 1,550,304 alleles (0.00013%); highest among the groups gnomAD compares: Non-Finnish European, 0.000087%; no homozygotes.

Submission:

Ambry Genetics
Classification: Uncertain significance for Cardiovascular phenotype. Last evaluated: 2022-03-09. Review status: criteria provided, single submitter. Criteria: Ambry Variant Classification Scheme 2023. Collection method: clinical testing. Allele origin: germline.
Comment: The p.P2168R variant (also known as c.6503C>G), located in coding exon 2 of the ZNF469 gene, results from a C to G substitution at nucleotide position 6503. The proline at codon 2168 is replaced by arginine, an amino acid with dissimilar properties. This amino acid position is conserved. In addition, this alteration is predicted to be tolerated by in silico analysis. Since supporting evidence is limited at this time, the clinical significance of this alteration remains unclear.